The following is an entry in ClinVar:

ClinVar aggregate classification (germline): Uncertain significance (1 of 4 stars; one submission).

Conditions:
CYP21A2-related disorder. Also called: CYP21A2-related condition.

Submission:

PreventionGenetics, part of Exact Sciences
Classification: Uncertain significance for CYP21A2-related condition. Last evaluated: 2025-06-10. Review status: criteria provided, single submitter. Criteria: ACMG Guidelines, 2015. Collection method: clinical testing. Allele origin: germline.
Comment: The CYP21A2 c.143A>C variant is predicted to result in the amino acid substitution p.Tyr48Ser. To our knowledge, this variant has not been reported in the literature. Of note, a different substitution at the same codon, defined as c.143A>G (p.Tyr48Cys) (also known as Y47C in the literature), has been reported in individuals with congenital adrenal hyperplasia (CAH) and suspected to be associated with non-classic CAH (in the homozygous state in Ravichandran et al. 2021. PubMed ID: 34718183; no more information provided in Concolino et al. 2010. PubMed ID: 20482300; in silico evaluation in Haider et al. 2013. PubMed ID: 23359706). The c.143A>C (p.Tyr48Ser) variant is reported in 0.0096% of alleles in individuals of Latino descent in gnomAD. This variant falls within a highly paralogous region. Allele frequency data should be interpreted with caution. Although we suspect that this variant may be pathogenic, at this time, the clinical significance of this variant is uncertain due to the absence of conclusive functional and genetic evidence.

NM_000500.9(CYP21A2):c.143A>C (p.Tyr48Ser)

Genes: CYP21A2 (cytochrome P450 family 21 subfamily A member 2; plus strand), LOC106780800 (CYP21A2 recombination region; plus strand). Cytogenetic location: 6p21.33.
Variant type: single nucleotide variant.
Coding change: c.143A>C on transcript NM_000500.9 (MANE Select); coding-DNA position 143, A replaced by C.
Protein change: p.Tyr48Ser; replaces tyrosine 48 with serine.
Molecular consequence: missense variant. On other transcripts: 5 prime UTR variant (2).
Genome position (GRCh38, 1-based): chr6:32,038,565, A>C. VCF-style: chr6-32038565-A-C. GRCh37 (hg19) VCF-style: chr6-32006342-A-C.
Other names: c.143A>C, p.Tyr48Ser (NM_001128590.4); c.-282A>C (NM_001368143.2); c.-192A>C (NM_001368144.2); short protein forms Y48S.
Identifiers: ClinVar variation 4981780 (VCV004981780.1).